The following is an entry in ClinVar:

ClinVar aggregate classification (germline): Pathogenic/Likely pathogenic. Review status: criteria provided, multiple submitters, no conflicts (2 of 4 stars). 12 submissions from 12 submitters: Pathogenic (8); Likely pathogenic (1). 3 of the submissions do not count toward it. Last evaluated 2026-09-01.

Conditions:
FZD4-related disorder. Also called: FZD4-related condition.
Atrophia bulborum hereditaria (ND). Also called: Pseudoglioma; Norrie syndrome; Norrie-Warburg syndrome; Anderson-Warburg syndrome; Fetal iritis syndrome; Norrie Disease. Identifiers: Orphanet 649, MedGen C0266526, MONDO:0010691, OMIM 310600, HP:6000262.
Exudative vitreoretinopathy 1 (EVR1). Also called: CRISWICK-SCHEPENS SYNDROME; FEVR, AUTOSOMAL DOMINANT; Familial exudative vitreoretinopathy, autosomal dominant. Identifiers: Orphanet 891, Orphanet 90050, MedGen C1851402, MONDO:0007589, OMIM 133780.
Familial exudative vitreoretinopathy. Identifiers: Orphanet 891, MedGen C0339539, MeSH D000080345, MONDO:0019516.
Coats disease. Also called: RETINAL TELANGIECTASIS; NDP-Related Coats Disease. Identifiers: Orphanet 190, MedGen C5964756, MONDO:0010269, OMIM 300216.

Allele frequency attached by ClinVar (database versions not stated): TOPMed 0.00003; gnomAD 0.00004 and 0.00005.
gnomAD v4.1: 31 of 1,613,812 alleles (0.0019%); highest among the groups gnomAD compares: Middle Eastern, 0.017%; no homozygotes.

Submissions (12):

CeGaT Center for Human Genetics Tuebingen
Classification: Pathogenic. Last evaluated: 2026-09-01. Review status: criteria provided, single submitter. Criteria: CeGaT Center For Human Genetics Tuebingen Variant Classification Criteria Version 2. Collection method: clinical testing. Allele origin: germline. Affected: yes. Observed: 1 variant allele.
Comment: FZD4: PP1:Strong, PS4, PM5, PM2:Supporting, PP3, PS3:Supporting

Institute of Human Genetics, University of Leipzig Medical Center
Classification: Pathogenic for Exudative vitreoretinopathy 1. Last evaluated: 2026-01-28. Review status: criteria provided, single submitter. Criteria: ACMG Guidelines, 2015. Collection method: clinical testing. Allele origin: unknown. Inheritance: Autosomal dominant inheritance. Affected: yes.
Comment: Criteria applied: PS4,PS3_MOD,PM5,PM2_SUP,PP2

Labcorp Genetics (formerly Invitae), Labcorp
Classification: Pathogenic. Last evaluated: 2026-01-28. Review status: criteria provided, single submitter. Criteria: Invitae Variant Classification Sherloc (09022015). Collection method: clinical testing. Allele origin: germline.
Comment: This sequence change replaces methionine, which is neutral and non-polar, with valine, which is neutral and non-polar, at codon 105 of the FZD4 protein (p.Met105Val). This variant is present in population databases (rs80358284, gnomAD 0.009%). This missense change has been observed in individuals with clinical features of familial exudative vitreoretinopathy (PMID: 14507768, 30452590, 31294129). It has also been observed to segregate with disease in related individuals. ClinVar contains an entry for this variant (Variation ID: 224624). Invitae Evidence Modeling of protein sequence and biophysical properties (such as structural, functional, and spatial information, amino acid conservation, physicochemical variation, residue mobility, and thermodynamic stability) has been performed for this missense variant. However, the output from this modeling did not meet the statistical confidence thresholds required to predict the impact of this variant on FZD4 protein function. Experimental studies have shown that this missense change affects FZD4 function (PMID: 17955262, 24744206). Algorithms developed to predict the effect of sequence changes on RNA splicing suggest that this variant may disrupt the consensus splice site. For these reasons, this variant has been classified as Pathogenic.

Blueprint Genetics
Classification: Pathogenic for FZD4-related disorders. Last evaluated: 2024-11-07. Review status: criteria provided, single submitter. Criteria: ACMG Guidelines, 2015. Collection method: clinical testing. Allele origin: germline. Affected: yes. Observed: 5 variant alleles.

GeneDx
Classification: Pathogenic. Last evaluated: 2024-11-06. Review status: criteria provided, single submitter. Criteria: GeneDx Variant Classification Process June 2021. Collection method: clinical testing. Allele origin: germline. Affected: yes.
Comment: Observed frequently in unrelated patients from different ethnic backgrounds with familial exudative vitreoretinopathy in the published literature (PMID: 14507768, 15223780, 23077402, 26244290, 27316669, 30452590, 31836858, 31237656); Published functional studies demonstrate defective protein trafficking compared to wild type (PMID: 24744206); In silico analysis indicates that this missense variant does not alter protein structure/function; This variant is associated with the following publications: (PMID: 31836858, 17955262, 30097784, 30452590, 26747767, 31237656, 30910914, 31294129, 31987760, 25711638, 14507768, 27316669, 15223780, 20938005, 32884843, 31827910, 31892318, 33090715, 35328049, 35876299, 34758253, 34860240, 23077402, 35394490, 26244290, 36729443, 37089697, 24744206, 38280677, 36411543, 38881609, 35951321, 39273516, 38243264, 38558095, 38706142, 38315492)

Centre for Genomic Medicine, Manchester, Central Manchester University Hospitals
Classification: Pathogenic for Atrophia bulborum hereditaria. Last evaluated: 2019-02-01. Review status: criteria provided, single submitter. Criteria: ACMG Guidelines, 2015. Collection method: clinical testing. Allele origin: germline. Affected: yes. Observed: 1 variant allele, 1 heterozygote.

Fulgent Genetics
Classification: Pathogenic for Exudative vitreoretinopathy 1. Last evaluated: 2018-10-31. Review status: criteria provided, single submitter. Criteria: ACMG Guidelines, 2015. Collection method: clinical testing. Allele origin: unknown.

Laboratory for Molecular Medicine, Mass General Brigham Personalized Medicine
Classification: Pathogenic for Familial exudative vitreoretinopathy. Last evaluated: 2018-08-01. Review status: criteria provided, single submitter. Criteria: LMM Criteria. Collection method: clinical testing. Allele origin: germline. Inheritance: Autosomal dominant inheritance. Observed: 1 variant allele.
Comment: The p.Met105Val variant in FZD4 has been reported in at least 8 individuals with familial exudative vitreoretinopathy (FEVR) and segregated with disease in 4 af fected relatives from multiple families (Jia 2010, Kondo 2003, Musada 2016, Salv o 2015, Xu 2004). This variant has also been identified in 3/33580 Latino chromo somes by the Genome Aggregation Database (gnomAD, rg; dbSNP rs80358284). In vitro functional studies provide some evidence that th e p.Met105Val variant may impact protein function (Milhem 2014, Xu 2004). FEVR s hows highly variable expressivity and reduced penetrance. Individuals carrying p athogenic variants usually show peripheral retinal avascularity; however, clinic al presentation ranges from asymptomatic to early childhood blindness. In summar y, this variant meets criteria to be classified as pathogenic for FEVR in an aut osomal dominant based upon presence in affected individuals, segregation studies , and functional evidence. ACMG/AMP Criteria applied: PS4; PM2; PS3_Moderate; PP 1_Supporting; PP3.

Juno Genomics, Hangzhou Juno Genomics, Inc
Classification: Likely pathogenic for Exudative vitreoretinopathy 1. Review status: criteria provided, single submitter. Criteria: ACMG Guidelines, 2015. Collection method: clinical testing. Allele origin: germline.
Comment: Absent from controls (or at extremely low frequency if recessive) in Genome Aggregation Database.;The prevalence of the variant in affected individuals is significantly increased compared to the prevalence in controls.;Co-segregation with disease in multiple affected family members.;Well-established in vitro or in vivo functional studies supportive of a damaging effect on the gene or gene product.

PreventionGenetics, part of Exact Sciences
Classification: Pathogenic for FZD4-related condition. Last evaluated: 2024-02-21. Review status: no assertion criteria provided. Collection method: clinical testing. Allele origin: germline. Not counted in ClinVar's aggregate classification.
Comment: The FZD4 c.313A>G variant is predicted to result in the amino acid substitution p.Met105Val. This variant has been reported many times as causative for autosomal dominant familial exudative vitreoretinopathy (see for examples Kondo et al. 2003. PubMed ID: 14507768; Chen. 2019. PubMed ID: 31237656). Alternate substitutions of this amino acid (p.Met105Thr and p.Met105Arg) have also been reported in individuals with familial exudative vitreoretinopathy (Toomes et al. 2004. PubMed ID: 15223780; Han et al. 2020. PubMed ID: 32420371). This variant is reported in 0.012% of alleles in individuals of Latino descent in gnomAD. This variant has been classified as pathogenic by multiple independent submitters to the ClinVar database. Given all the evidence, we interpret this variant as pathogenic.

Genomics England Pilot Project, Genomics England
Classification: Likely pathogenic for Exudative vitreoretinopathy 1. Review status: no assertion criteria provided. Criteria: ACGS Guidelines, 2016. Collection method: clinical testing. Allele origin: germline. Affected: yes. Not counted in ClinVar's aggregate classification.

Laboratory of Human Molecular Genetics, Department of Medical Research, Taipei Veterans General Hospital
Classification: Pathogenic for Exudative retinopathy; Familial exudative vitreoretinopathy. Review status: no assertion criteria provided. Collection method: research. Allele origin: germline. Affected: yes. Observed: 3 variant alleles. Not counted in ClinVar's aggregate classification.

Literature cited by the submitters: PubMed 14507768 (cited by Labcorp Genetics (formerly Invitae), Labcorp and Laboratory for Molecular Medicine, Mass General Brigham Personalized Medicine); PubMed 30452590 (cited by Labcorp Genetics (formerly Invitae), Labcorp); PubMed 31294129 (cited by Labcorp Genetics (formerly Invitae), Labcorp); PubMed 17955262 (cited by Labcorp Genetics (formerly Invitae), Labcorp); PubMed 24744206 (cited by Labcorp Genetics (formerly Invitae), Labcorp and Laboratory for Molecular Medicine, Mass General Brigham Personalized Medicine); PubMed 20938005 (cited by Laboratory for Molecular Medicine, Mass General Brigham Personalized Medicine); PubMed 27316669 (cited by Laboratory for Molecular Medicine, Mass General Brigham Personalized Medicine); PubMed 25711638 (cited by Laboratory for Molecular Medicine, Mass General Brigham Personalized Medicine); PubMed 20340138 (cited by Laboratory for Molecular Medicine, Mass General Brigham Personalized Medicine); PubMed 15035989 (cited by Laboratory for Molecular Medicine, Mass General Brigham Personalized Medicine); PubMed 26908610 (cited by Laboratory of Human Molecular Genetics, Department of Medical Research, Taipei Veterans General Hospital).

NM_012193.4(FZD4):c.313A>G (p.Met105Val)

Genes: FZD4 (frizzled class receptor 4; minus strand), PRSS23 (serine protease 23; plus strand). Cytogenetic location: 11q14.2.
Variant type: single nucleotide variant.
Coding change: c.313A>G on transcript NM_012193.4 (MANE Select); coding-DNA position 313, A replaced by G.
Protein change: p.Met105Val; replaces methionine 105 with valine.
Molecular consequence: missense variant. On other transcripts: non-coding transcript variant (2).
Genome position (GRCh38, 1-based): chr11:86,952,443, T>C on the plus strand (A>G on the coding strand, the complement: FZD4 is on the minus strand). VCF-style: chr11-86952443-T-C. GRCh37 (hg19) VCF-style: chr11-86663485-T-C.
Other names: short protein forms M105V.
Identifiers: ClinVar variation 224624 (VCV000224624.29), dbSNP rs80358284, ClinGen allele CA351365.
Genomic context (GRCh38, chr11:86,952,443, plus strand): 5'-TGACTGAAAGACACATGCCGCCGCATGGGCCAATGGGGATGTTGATCTTCTCTGTGCACA[T>C]TGGCACATAAACAGAACAAAGGAAGAACTGGAAAAGTAACAAAATGAACACACACAAAAA-3'
Protein context (NP_036325.2, residues 95-115): QFFLCSVYVP[Met105Val]CTEKINIPIG